The following is an entry in ClinVar:

ClinVar aggregate classification (germline): Uncertain significance (1 of 4 stars; one submission).

Submission:

Mayo Clinic Laboratories, Mayo Clinic
Classification: Uncertain significance. Last evaluated: 2024-08-01. Review status: criteria provided, single submitter. Criteria: ACMG Guidelines, 2015. Collection method: clinical testing. Allele origin: germline. Observed: 1 variant allele.
Comment: PM2

NM_000460.4(THPO):c.317_318delinsTT (p.Cys106Phe)

Gene: THPO (thrombopoietin; minus strand). Cytogenetic location: 3q27.1.
Variant type: Indel.
Coding change: c.317_318delinsTT on transcript NM_000460.4 (MANE Select); coding-DNA positions 317 to 318, GC replaced by TT.
Protein change: p.Cys106Phe; replaces cysteine 106 with phenylalanine.
Molecular consequence: missense variant.
Genome position (GRCh38, 1-based): chr3:184,373,493-184,373,494, GC replaced by AA on the plus strand (GC replaced by TT on the coding strand, the reverse complement: THPO is on the minus strand). VCF-style: chr3-184373493-GC-AA. GRCh37 (hg19) VCF-style: chr3-184091281-GC-AA.
Other names: p.Cys106Phe; c.317_318delinsTT, p.Cys106Phe (NM_001177597.2, NM_001177598.2, NM_001289997.1 and 5 more transcripts); c.737_738delinsTT, p.Cys246Phe (NM_001290003.1); short protein forms C106F, C246F.
Identifiers: ClinVar variation 3379521 (VCV003379521.1).
Genomic context (GRCh38, chr3:184,373,493, plus strand): 5'-CTGCAGGGCCCCAAGGAGGAGACGGACCTGTCCAGAAAGCTGCCCCAGGAGGGATGAGAG[GC>AA]AAGTGGGTCCCAGTTGTCCCCGTGCTGCCATCACTCCCTCCAGCAGAAGGGTCACTGCTC-3'
Protein context (NP_000451.1, residues 96-116): MAARGQLGPT[Cys106Phe]LSSLLGQLSG